The following is an entry in ClinVar:

NM_002017.5(FLI1):c.376G>A (p.Val126Ile)

Gene: FLI1 (Fli-1 proto-oncogene, ETS transcription factor; plus strand). Cytogenetic location: 11q24.3.
Variant type: single nucleotide variant.
Coding change: c.376G>A on transcript NM_002017.5 (MANE Select); coding-DNA position 376, G replaced by A.
Protein change: p.Val126Ile; replaces valine 126 with isoleucine.
Molecular consequence: missense variant. On other transcripts: intron variant (1).
Genome position (GRCh38, 1-based): chr11:128,768,263, G>A. VCF-style: chr11-128768263-G-A. GRCh37 (hg19) VCF-style: chr11-128638158-G-A.
Other names: c.277G>A, p.Val93Ile (NM_001167681.3); c.178G>A, p.Val60Ile (NM_001271010.2); c.10+9937G>A (NM_001271012.2); short protein forms V126I, V60I, V93I.
Identifiers: ClinVar variation 1675476 (VCV001675476.35), dbSNP rs374178191, ClinGen allele CA6357041.

ClinVar aggregate classification (germline): Uncertain significance. Review status: criteria provided, multiple submitters, no conflicts (2 of 4 stars). 2 submissions from 2 submitters: Uncertain significance (2). Last evaluated 2024-09-15.

Allele frequency attached by ClinVar (database versions not stated): gnomAD exomes 0.00001 and 0.00003; gnomAD 0.00002; TOPMed 0.00002; ExAC 0.00003; ESP Exome Variant Server 0.00008.
gnomAD v4.1: 47 of 1,613,736 alleles (0.0029%); highest among the groups gnomAD compares: Non-Finnish European, 0.0038%; no homozygotes.

Submissions (2):

Labcorp Genetics (formerly Invitae), Labcorp
Classification: Uncertain significance. Last evaluated: 2024-09-15. Review status: criteria provided, single submitter. Criteria: Invitae Variant Classification Sherloc (09022015). Collection method: clinical testing. Allele origin: germline.
Comment: This sequence change replaces valine, which is neutral and non-polar, with isoleucine, which is neutral and non-polar, at codon 126 of the FLI1 protein (p.Val126Ile). This variant is present in population databases (rs374178191, gnomAD 0.004%). This variant has not been reported in the literature in individuals affected with FLI1-related conditions. ClinVar contains an entry for this variant (Variation ID: 1675476). Invitae Evidence Modeling of protein sequence and biophysical properties (such as structural, functional, and spatial information, amino acid conservation, physicochemical variation, residue mobility, and thermodynamic stability) indicates that this missense variant is not expected to disrupt FLI1 protein function with a negative predictive value of 80%. In summary, the available evidence is currently insufficient to determine the role of this variant in disease. Therefore, it has been classified as a Variant of Uncertain Significance.

CeGaT Center for Human Genetics Tuebingen
Classification: Uncertain significance. Last evaluated: 2022-01-01. Review status: criteria provided, single submitter. Criteria: CeGaT Center For Human Genetics Tuebingen Variant Classification Criteria Version 2. Collection method: clinical testing. Allele origin: germline. Affected: yes. Observed: 1 variant allele.